The following is an entry in ClinVar:

NM_005751.5(AKAP9):c.4390A>G (p.Ile1464Val)

Gene: AKAP9 (A-kinase anchoring protein 9; plus strand). Cytogenetic location: 7q21.2.
Variant type: single nucleotide variant.
Coding change: c.4390A>G on transcript NM_005751.5 (MANE Select); coding-DNA position 4390, A replaced by G.
Protein change: p.Ile1464Val; replaces isoleucine 1464 with valine.
Molecular consequence: missense variant.
Genome position (GRCh38, 1-based): chr7:92,038,470, A>G. VCF-style: chr7-92038470-A-G. GRCh37 (hg19) VCF-style: chr7-91667784-A-G.
Other names: c.4390A>G, p.Ile1464Val (NM_147185.3); short protein forms I1464V.
Identifiers: ClinVar variation 1740230 (VCV001740230.8), dbSNP rs1361230486, ClinGen allele CA368128646.
Genomic context (GRCh38, chr7:92,038,470, plus strand): 5'-TTTCTTTAGGTTATTGTGTCAATGAGTATAGCATTTGCTCAACAAACTGAACTGTCTAGA[A>G]TATCTGGGGGAAAAGAAAATACTGCATCATCAAAGCAAGCACATGCTGTGTGTCAGCAAG-3'
Protein context (NP_005742.4, residues 1454-1474): AFAQQTELSR[Ile1464Val]SGGKENTASS

ClinVar aggregate classification (germline): Uncertain significance. Review status: criteria provided, multiple submitters, no conflicts (2 of 4 stars). 2 submissions from 2 submitters: Uncertain significance (2). Last evaluated 2025-05-01.

Conditions:
Cardiovascular phenotype. Identifiers: MedGen CN230736.
Long QT syndrome (LQTS). Identifiers: MedGen C0023976, MeSH D008133, MONDO:0002442. Disease mechanism: loss of function. Inheritance: Various modes of inheritance.

Allele frequency attached by ClinVar (database versions not stated): gnomAD exomes below 0.00001; gnomAD 0.00001; TOPMed 0.00002.
gnomAD v4.1: 3 of 1,613,862 alleles (0.00019%); highest among the groups gnomAD compares: East Asian, 0.0022%; no homozygotes.

Submissions (2):

Labcorp Genetics (formerly Invitae), Labcorp
Classification: Uncertain significance for Long QT syndrome. Last evaluated: 2025-05-01. Review status: criteria provided, single submitter. Criteria: Invitae Variant Classification Sherloc (09022015). Collection method: clinical testing. Allele origin: germline.
Comment: This sequence change replaces isoleucine, which is neutral and non-polar, with valine, which is neutral and non-polar, at codon 1464 of the AKAP9 protein (p.Ile1464Val). This variant is present in population databases (no rsID available, gnomAD 0.007%). This variant has not been reported in the literature in individuals affected with AKAP9-related conditions. ClinVar contains an entry for this variant (Variation ID: 1740230). An algorithm developed to predict the effect of missense changes on protein structure and function (PolyPhen-2) suggests that this variant is likely to be tolerated. In summary, the available evidence is currently insufficient to determine the role of this variant in disease. Therefore, it has been classified as a Variant of Uncertain Significance.

Ambry Genetics
Classification: Uncertain significance for Cardiovascular phenotype. Last evaluated: 2024-12-13. Review status: criteria provided, single submitter. Criteria: Ambry Variant Classification Scheme 2023. Collection method: clinical testing. Allele origin: germline.